The following is an entry in ClinVar:

ClinVar aggregate classification (germline): Uncertain significance. Review status: criteria provided, multiple submitters, no conflicts (2 of 4 stars). 2 submissions from 2 submitters: Uncertain significance (2). Last evaluated 2024-07-14.

Conditions:
Hereditary cancer-predisposing syndrome. Also called: Neoplastic Syndromes, Hereditary; Tumor predisposition; Hereditary neoplastic syndrome; Hereditary Cancer Syndrome. Identifiers: Orphanet 140162, MedGen C0027672, MeSH D009386, MONDO:0015356.
Multiple endocrine neoplasia, type 2 (MEN2). Identifiers: Orphanet 653, MedGen C4048306, MONDO:0019003. Disease mechanism: gain of function.

Submissions (2):

Labcorp Genetics (formerly Invitae), Labcorp
Classification: Uncertain significance for Multiple endocrine neoplasia, type 2. Last evaluated: 2024-07-14. Review status: criteria provided, single submitter. Criteria: Invitae Variant Classification Sherloc (09022015). Collection method: clinical testing. Allele origin: germline.
Comment: This sequence change replaces lysine, which is basic and polar, with glutamine, which is neutral and polar, at codon 887 of the RET protein (p.Lys887Gln). This variant is not present in population databases (gnomAD no frequency). This variant has not been reported in the literature in individuals affected with RET-related conditions. An algorithm developed to predict the effect of missense changes on protein structure and function (PolyPhen-2) suggests that this variant is likely to be disruptive. In summary, the available evidence is currently insufficient to determine the role of this variant in disease. Therefore, it has been classified as a Variant of Uncertain Significance.

Ambry Genetics
Classification: Uncertain significance for Hereditary cancer-predisposing syndrome. Last evaluated: 2023-11-02. Review status: criteria provided, single submitter. Criteria: Ambry Variant Classification Scheme 2023. Collection method: clinical testing. Allele origin: germline.
Comment: The p.K887Q variant (also known as c.2659A>C), located in coding exon 15 of the RET gene, results from an A to C substitution at nucleotide position 2659. The lysine at codon 887 is replaced by glutamine, an amino acid with similar properties. This amino acid position is conserved. In addition, the in silico prediction for this alteration is inconclusive. Since supporting evidence is limited at this time, the clinical significance of this alteration remains unclear.

NM_020975.6(RET):c.2659A>C (p.Lys887Gln)

Gene: RET (ret proto-oncogene; plus strand). Cytogenetic location: 10q11.21.
Variant type: single nucleotide variant.
Coding change: c.2659A>C on transcript NM_020975.6 (MANE Select); coding-DNA position 2659, A replaced by C.
Protein change: p.Lys887Gln; replaces lysine 887 with glutamine.
Molecular consequence: missense variant.
Genome position (GRCh38, 1-based): chr10:43,120,132, A>C. VCF-style: chr10-43120132-A-C. GRCh37 (hg19) VCF-style: chr10-43615580-A-C.
Other names: c.2659A>C, p.Lys887Gln (NM_000323.2, NM_001406743.1, NM_001406744.1 and 4 more transcripts); c.1897A>C, p.Lys633Gln (NM_001355216.2); c.2530A>C, p.Lys844Gln (NM_001406761.1, NM_001406762.1, NM_001406764.1); c.2524A>C, p.Lys842Gln (NM_001406763.1, NM_001406765.1); c.2371A>C, p.Lys791Gln (NM_001406766.1, NM_001406767.1, NM_001406770.1); c.2395A>C, p.Lys799Gln (NM_001406768.1); c.2263A>C, p.Lys755Gln (NM_001406769.1, NM_001406772.1); c.2221A>C, p.Lys741Gln (NM_001406771.1, NM_001406773.1); and 10 more; short protein forms K404Q, K452Q, K492Q, K543Q, K545Q, K548Q, K557Q, K588Q.
Identifiers: ClinVar variation 3227537 (VCV003227537.3), dbSNP rs2132961112, ClinGen allele CA376557163.